The following is an entry in ClinVar:

NM_000219.6(KCNE1):c.77A>T (p.Asn26Ile)

Gene: KCNE1 (potassium voltage-gated channel subfamily E regulatory subunit 1; minus strand). Cytogenetic location: 21q22.12.
Variant type: single nucleotide variant.
Coding change: c.77A>T on transcript NM_000219.6 (MANE Select); coding-DNA position 77, A replaced by T.
Protein change: p.Asn26Ile; replaces asparagine 26 with isoleucine.
Molecular consequence: missense variant.
Genome position (GRCh38, 1-based): chr21:34,449,558, T>A on the plus strand (A>T on the coding strand, the complement: KCNE1 is on the minus strand). VCF-style: chr21-34449558-T-A. GRCh37 (hg19) VCF-style: chr21-35821856-T-A.
Other names: c.77A>T, p.Asn26Ile (NM_001127668.4, NM_001127669.4, NM_001127670.4 and 4 more transcripts); short protein forms N26I.
Identifiers: ClinVar variation 3373987 (VCV003373987.2).

Conditions:
Long QT syndrome 5 (LQT5). Identifiers: Orphanet 101016, Orphanet 768, MedGen C1867904, MONDO:0013372, OMIM 613695.

Submission:

Roden Lab, Vanderbilt University Medical Center
No classification provided (evidence only). Condition: Long QT syndrome 5. Review status: no classification provided. Collection method: in vitro. Allele origin: not applicable. Functional consequence: Effect on ion channel function.
ClinVar note: "not provided" was previously submitted as the classification for the variant. However, the classification appeared to be based only on an observation of functional data so it was converted to no classification on 2025-07-30.